The following is an entry in ClinVar:

ClinVar aggregate classification (germline): Likely benign. Review status: criteria provided, multiple submitters, no conflicts (2 of 4 stars). 5 submissions from 5 submitters: Likely benign (4). 1 of the submissions does not count toward it. Last evaluated 2026-01-18.

Conditions:
Familial dysautonomia. Also called: FD; HSAN III. Identifiers: Orphanet 1764, MedGen C0013364, MONDO:0009131, OMIM 223900. Disease mechanism: loss of function.
ELP1-related disorder. Also called: ELP1-related condition.
Medulloblastoma (MDB). Also called: MEDULLOBLASTOMA PREDISPOSITION SYNDROME; Medulloblastoma, somatic. Identifiers: Orphanet 616, MedGen C0025149, MeSH D008527, MONDO:0007959, OMIM 155255, HP:0002885.

Allele frequency attached by ClinVar (database versions not stated): ExAC 0.00004; gnomAD 0.00007; gnomAD exomes 0.00008; TOPMed 0.00009.
gnomAD v4.1: 365 of 1,613,970 alleles (0.023%); highest among the groups gnomAD compares: Non-Finnish European, 0.03%; no homozygotes.

Submissions (5):

Labcorp Genetics (formerly Invitae), Labcorp
Classification: Likely benign. Last evaluated: 2026-01-18. Review status: criteria provided, single submitter. Criteria: Invitae Variant Classification Sherloc (09022015). Collection method: clinical testing. Allele origin: germline.

PreventionGenetics, part of Exact Sciences
Classification: Likely benign for ELP1-related condition. Last evaluated: 2025-08-29. Review status: criteria provided, single submitter. Criteria: ACMG Guidelines, 2015. Collection method: clinical testing. Allele origin: germline.
Comment: This variant is classified as likely benign based on ACMG/AMP sequence variant interpretation guidelines (Richards et al. 2015 PMID: 25741868, with internal and published modifications).

Ambry Genetics
Classification: Likely benign. Last evaluated: 2023-02-26. Review status: criteria provided, single submitter. Criteria: Ambry Variant Classification Scheme 2023. Collection method: clinical testing. Allele origin: germline.

Fulgent Genetics
Classification: Likely benign for Medulloblastoma; Familial dysautonomia. Last evaluated: 2021-07-20. Review status: criteria provided, single submitter. Criteria: ACMG Guidelines, 2015. Collection method: clinical testing. Allele origin: unknown.

Natera, Inc.
Classification: Likely benign for Familial dysautonomia. Last evaluated: 2017-11-15. Review status: no assertion criteria provided. Collection method: clinical testing. Allele origin: germline. Not counted in ClinVar's aggregate classification.

NM_003640.5(ELP1):c.1599A>G (p.Ala533=)

Gene: ELP1 (elongator acetyltransferase complex subunit 1; minus strand). Cytogenetic location: 9q31.3.
Variant type: single nucleotide variant.
Coding change: c.1599A>G on transcript NM_003640.5 (MANE Select); coding-DNA position 1599, A replaced by G.
Protein change: p.Ala533=; no amino-acid change (alanine 533 retained).
Molecular consequence: synonymous variant.
Genome position (GRCh38, 1-based): chr9:108,906,347, T>C on the plus strand (A>G on the coding strand, the complement: ELP1 is on the minus strand). VCF-style: chr9-108906347-T-C. GRCh37 (hg19) VCF-style: chr9-111668627-T-C.
Other names: c.1257A>G, p.Ala419= (NM_001318360.2); c.552A>G, p.Ala184= (NM_001330749.2); c.1599A>G (NM_003640.4).
Identifiers: ClinVar variation 697568 (VCV000697568.15), dbSNP rs771318456, ClinGen allele CA5174971.
Genomic context (GRCh38, chr9:108,906,347, plus strand): 5'-GGAAAAACTGCAATACCTGACATTGAGCTGTCCATGCTCTTCATCCATCTCAGAAGAAGC[T>C]GCAGTCAAATGGTGAATGACAGACCGGGGGCTGAACTCACTGTGGCTTACAGCCAGGAAG-3'
Protein context (NP_003631.2, residues 523-543): SPRSVIHHLT[Ala533=]ASSEMDEEHG